The following is an entry in ClinVar:

ClinVar aggregate classification (germline): Uncertain significance. Review status: criteria provided, multiple submitters, no conflicts (2 of 4 stars). 2 submissions from 2 submitters: Uncertain significance (2). Last evaluated 2024-08-28.

Conditions:
DICER1-related tumor predisposition. Also called: DICER1 syndrome; DICER1-related pleuropulmonary blastoma cancer predisposition syndrome. Identifiers: Orphanet 284343, MedGen C3839822, MONDO:0100216.
Hereditary cancer-predisposing syndrome. Also called: Hereditary Cancer Syndrome; Hereditary neoplastic syndrome; Tumor predisposition; Neoplastic Syndromes, Hereditary. Identifiers: Orphanet 140162, MedGen C0027672, MeSH D009386, MONDO:0015356.

Submissions (2):

Labcorp Genetics (formerly Invitae), Labcorp
Classification: Uncertain significance for DICER1-related tumor predisposition. Last evaluated: 2024-08-28. Review status: criteria provided, single submitter. Criteria: Invitae Variant Classification Sherloc (09022015). Collection method: clinical testing. Allele origin: germline.
Comment: This sequence change replaces serine, which is neutral and polar, with leucine, which is neutral and non-polar, at codon 1169 of the DICER1 protein (p.Ser1169Leu). This variant is not present in population databases (gnomAD no frequency). This variant has not been reported in the literature in individuals affected with DICER1-related conditions. ClinVar contains an entry for this variant (Variation ID: 1354732). Invitae Evidence Modeling of protein sequence and biophysical properties (such as structural, functional, and spatial information, amino acid conservation, physicochemical variation, residue mobility, and thermodynamic stability) indicates that this missense variant is not expected to disrupt DICER1 protein function with a negative predictive value of 80%. In summary, the available evidence is currently insufficient to determine the role of this variant in disease. Therefore, it has been classified as a Variant of Uncertain Significance.

Ambry Genetics
Classification: Uncertain significance for Hereditary cancer-predisposing syndrome. Last evaluated: 2023-12-08. Review status: criteria provided, single submitter. Criteria: Ambry Variant Classification Scheme 2023. Collection method: clinical testing. Allele origin: germline.
Comment: The p.S1169L variant (also known as c.3506C>T), located in coding exon 20 of the DICER1 gene, results from a C to T substitution at nucleotide position 3506. The serine at codon 1169 is replaced by leucine, an amino acid with dissimilar properties. This amino acid position is conserved. In addition, the in silico prediction for this alteration is inconclusive. Since supporting evidence is limited at this time, the clinical significance of this alteration remains unclear.

NM_177438.3(DICER1):c.3506C>T (p.Ser1169Leu)

Gene: DICER1 (dicer 1, ribonuclease III; minus strand). Cytogenetic location: 14q32.13.
Variant type: single nucleotide variant.
Coding change: c.3506C>T on transcript NM_177438.3 (MANE Select); coding-DNA position 3506, C replaced by T.
Protein change: p.Ser1169Leu; replaces serine 1169 with leucine.
Molecular consequence: missense variant.
Genome position (GRCh38, 1-based): chr14:95,103,890, G>A on the plus strand (C>T on the coding strand, the complement: DICER1 is on the minus strand). VCF-style: chr14-95103890-G-A. GRCh37 (hg19) VCF-style: chr14-95570227-G-A.
Other names: c.3506C>T (NM_177438.2); c.3506C>T, p.Ser1169Leu (NM_001195573.1, NM_001271282.3, NM_001291628.2 and 1 more transcripts); short protein forms S1169L.
Identifiers: ClinVar variation 1354732 (VCV001354732.10), dbSNP rs2139966820, ClinGen allele CA390875138.